The following is an entry in ClinVar:

ClinVar aggregate classification (germline): Uncertain significance (1 of 4 stars; one submission).

Conditions:
Tuberous sclerosis 1 (TSC1). Identifiers: Orphanet 805, MedGen C1854465, MONDO:0008612, OMIM 191100.

Submission:

Labcorp Genetics (formerly Invitae), Labcorp
Classification: Uncertain significance for Tuberous sclerosis 1. Last evaluated: 2020-11-26. Review status: criteria provided, single submitter. Criteria: Invitae Variant Classification Sherloc (09022015). Collection method: clinical testing. Allele origin: germline.
Comment: In summary, the available evidence is currently insufficient to determine the role of this variant in disease. Therefore, it has been classified as a Variant of Uncertain Significance. Nucleotide substitutions within the consensus splice site are a relatively common cause of aberrant splicing (PMID: 17576681, 9536098). Algorithms developed to predict the effect of sequence changes on RNA splicing suggest that this variant may disrupt the consensus splice site, but this prediction has not been confirmed by published transcriptional studies. This variant has not been reported in the literature in individuals with TSC1-related conditions. This variant is not present in population databases (ExAC no frequency). This sequence change falls in intron 6 of the TSC1 gene. It does not directly change the encoded amino acid sequence of the TSC1 protein. It affects a nucleotide within the consensus splice site of the intron.

Literature cited by the submitters: PubMed 17576681; PubMed 9536098.

NM_000368.5(TSC1):c.508+6G>A

Gene: TSC1 (TSC complex subunit 1; minus strand). Cytogenetic location: 9q34.13.
Variant type: single nucleotide variant.
Coding change: c.508+6G>A on transcript NM_000368.5 (MANE Select); 6 bases into the intron after coding-DNA position 508, G replaced by A.
Molecular consequence: intron variant.
Genome position (GRCh38, 1-based): chr9:132,923,342, C>T on the plus strand (G>A on the coding strand, the complement: TSC1 is on the minus strand). VCF-style: chr9-132923342-C-T. GRCh37 (hg19) VCF-style: chr9-135798729-C-T.
Other names: c.145+6G>A (NM_001362177.2); c.355+6G>A (NM_001162427.2); c.508+6G>A (NM_001162426.2).
Identifiers: ClinVar variation 1489083 (VCV001489083.6), dbSNP rs1846668717, ClinGen allele CA2573144202.
Genomic context (GRCh38, chr9:132,923,342, plus strand): 5'-AGCAATTAATCAATAATGAAAGCATTCACCTCACAGGGCCCAACAGGTATATGAGGAGAT[C>T]TGTACCTGGTTTCTTCAGGCACCATGATGACAGACGGCCAAAAATGTCAAAGAAATCAAG-3'